The following is an entry in ClinVar:

ClinVar aggregate classification (germline): Benign. Review status: criteria provided, multiple submitters, no conflicts (2 of 4 stars). 3 submissions from 3 submitters: Benign (3). Last evaluated 2026-01-27.

Allele frequency attached by ClinVar (database versions not stated): gnomAD exomes 0.00713 and 0.01903; ExAC 0.02388; gnomAD 0.06511 and 0.06972; 1000 Genomes Project 0.06967; 1000 Genomes Project 30x 0.07263; TOPMed 0.07482; ESP Exome Variant Server 0.07953.
gnomAD v4.1: 15,409 of 1,200,866 alleles (1.3%); highest among the groups gnomAD compares: African/African-American, 23%; 1,108 homozygotes.

Submissions (3):

Labcorp Genetics (formerly Invitae), Labcorp
Classification: Benign. Last evaluated: 2026-01-27. Review status: criteria provided, single submitter. Criteria: Invitae Variant Classification Sherloc (09022015). Collection method: clinical testing. Allele origin: germline.

GeneDx
Classification: Benign. Last evaluated: 2015-12-10. Review status: criteria provided, single submitter. Criteria: GeneDx Variant Classification (06012015). Collection method: clinical testing. Allele origin: germline. Affected: yes.
Comment: This variant is considered likely benign or benign based on one or more of the following criteria: it is a conservative change, it occurs at a poorly conserved position in the protein, it is predicted to be benign by multiple in silico algorithms, and/or has population frequency not consistent with disease.

Breakthrough Genomics
Classification: Benign. Review status: criteria provided, single submitter. Criteria: ACMG Guidelines, 2015. Collection method: not provided. Allele origin: germline. Inheritance: Unknown mechanism. Affected: yes.

NM_001079855.2(GYG2):c.558G>A (p.Pro186=)

Gene: GYG2 (glycogenin 2; plus strand). Cytogenetic location: Xp22.33.
Variant type: single nucleotide variant.
Coding change: c.558G>A on transcript NM_001079855.2 (MANE Select); coding-DNA position 558, G replaced by A.
Protein change: p.Pro186=; no amino-acid change (proline 186 retained).
Molecular consequence: synonymous variant.
Genome position (GRCh38, 1-based): chrX:2,856,568, G>A. VCF-style: chrX-2856568-G-A. GRCh37 (hg19) VCF-style: chrX-2774609-G-A.
Other names: c.558G>A, p.Pro186= (NM_001184702.2); c.651G>A, p.Pro217= (NM_001184703.2, NM_003918.3); c.93G>A, p.Pro31= (NM_001184704.2).
Identifiers: ClinVar variation 380092 (VCV000380092.10), dbSNP rs17090628, ClinGen allele CA10337113.